The following is an entry in ClinVar:

NM_000390.4(CHM):c.464C>A (p.Thr155Lys)

Genes: CHM (CHM Rab escort protein; minus strand), LOC129391306 (MPRA-validated peak7401 silencer; plus strand). Cytogenetic location: Xq21.2.
Variant type: single nucleotide variant.
Coding change: c.464C>A on transcript NM_000390.4 (MANE Select); coding-DNA position 464, C replaced by A.
Protein change: p.Thr155Lys; replaces threonine 155 with lysine.
Molecular consequence: missense variant.
Genome position (GRCh38, 1-based): chrX:85,963,903, G>T on the plus strand (C>A on the coding strand, the complement: CHM is on the minus strand). VCF-style: chrX-85963903-G-T. GRCh37 (hg19) VCF-style: chrX-85218908-G-T.
Other names: c.20C>A, p.Thr7Lys (NM_001320959.1, NM_001362517.1, NM_001362518.2 and 1 more transcripts); short protein forms T155K, T7K.
Identifiers: ClinVar variation 936538 (VCV000936538.10), dbSNP rs1930432610, ClinGen allele CA413787120.

ClinVar aggregate classification (germline): Uncertain significance (1 of 4 stars; one submission).

Submission:

Labcorp Genetics (formerly Invitae), Labcorp
Classification: Uncertain significance. Last evaluated: 2019-10-04. Review status: criteria provided, single submitter. Criteria: Invitae Variant Classification Sherloc (09022015). Collection method: clinical testing. Allele origin: germline.
Comment: This sequence change replaces threonine with lysine at codon 155 of the CHM protein (p.Thr155Lys). The threonine residue is weakly conserved and there is a moderate physicochemical difference between threonine and lysine. This variant is not present in population databases (ExAC no frequency). This variant has not been reported in the literature in individuals with CHM-related conditions. Algorithms developed to predict the effect of missense changes on protein structure and function (SIFT, PolyPhen-2, Align-GVGD) all suggest that this variant is likely to be tolerated, but these predictions have not been confirmed by published functional studies and their clinical significance is uncertain. In summary, the available evidence is currently insufficient to determine the role of this variant in disease. Therefore, it has been classified as a Variant of Uncertain Significance.